The following is an entry in ClinVar:

ClinVar aggregate classification (germline): Pathogenic/Likely pathogenic. Review status: criteria provided, multiple submitters, no conflicts (2 of 4 stars). 3 submissions from 3 submitters: Pathogenic (2); Likely pathogenic (1). Last evaluated 2025-08-05.

Conditions:
CFTR-related disorder (CFTR-RD). Also called: CFTR-related condition; CFTR-related disorders. Identifiers: MedGen C5924204, MONDO:7770004.
Cystic fibrosis (CF). Also called: MUCOVISCIDOSIS. Identifiers: Orphanet 586, MedGen C0010674, MONDO:0009061, OMIM 219700. Disease mechanism: loss of function.

Submissions (3):

Natera, Inc.
Classification: Likely pathogenic for CFTR-related disorders. Last evaluated: 2025-08-05. Review status: criteria provided, single submitter. Criteria: Natera Variant Classification Schema (03/2026). Collection method: clinical testing. Allele origin: germline.
Comment: The c.2502delT variant in CFTR is a frameshift variant predicted to shift the reading frame beginning at codon 834 and leads to a stop codon 10 codons downstream. This variant is expected to result in nonsense mediated decay, truncation, or a dysfunctional protein product. This variant is rare in the general population with a frequency below the threshold expected for the associated phenotype(s). Given the available evidence, this variant is classified as Likely Pathogenic.

Women's Health and Genetics/Laboratory Corporation of America, LabCorp
Classification: Pathogenic for Cystic fibrosis. Last evaluated: 2025-02-24. Review status: criteria provided, single submitter. Criteria: LabCorp Variant Classification Summary - May 2015. Collection method: clinical testing. Allele origin: germline.
Comment: Variant summary: CFTR c.2502delT (p.Phe834LeufsX10) results in a premature termination codon, predicted to cause a truncation of the encoded protein or absence of the protein due to nonsense mediated decay, which are commonly known mechanisms for disease. The frequency data for this variant in gnomAD is considered unreliable, as metrics indicate poor data quality at this position. c.2502delT has been reported in the literature in at-least one individual suspected with Cystic Fibrosis (example: Girardet_2007). To our knowledge, no experimental evidence demonstrating an impact on protein function has been reported. The following publication has been ascertained in the context of this evaluation (PMID: 17850636). ClinVar contains an entry for this variant (Variation ID: 53504). Based on the evidence outlined above, the variant was classified as pathogenic.

CFTR-France
Classification: Pathogenic for cystic fibrosis. Last evaluated: 2018-01-29. Review status: criteria provided, single submitter. Criteria: Claustres M et al. (Hum Mutat 2017). Collection method: curation. Allele origin: germline. Affected: yes.

Literature cited by the submitters: PubMed 17850636 (cited by Women's Health and Genetics/Laboratory Corporation of America, LabCorp).

NM_000492.4(CFTR):c.2502del (p.Phe834fs)

Gene: CFTR (CF transmembrane conductance regulator; plus strand). Cytogenetic location: 7q31.2.
Variant type: Deletion.
Coding change: c.2502del on transcript NM_000492.4 (MANE Select); coding-DNA position 2502, one base deleted (T; older notation c.2502delT).
Protein change: p.Phe834fs; shifts the reading frame from phenylalanine 834.
Molecular consequence: frameshift variant.
Genome position (GRCh38, 1-based): chr7:117,594,941, T deleted; the last of 6 consecutive T bases (chr7:117,594,936-117,594,941); deleting any one gives the same sequence. VCF-style (leftmost placement, unchanged base first): chr7-117594935-CT-C. GRCh37 (hg19) VCF-style: chr7-117234989-CT-C.
Other names: c.2502delT (NM_000492.3, NM_000492.4); short protein forms F834fs.
Identifiers: ClinVar variation 53504 (VCV000053504.3), dbSNP rs397508389, ClinGen allele CA326835.
Genomic context (GRCh38, chr7:117,594,935, plus strand): 5'-ATGGTGGCATGAAACTGTACTGTCTTATTGTAATAGCCATAATTCTTTTATTCAGGAGTG[CT>C]TTTTTGATGATATGGAGAGCATACCAGCAGTGACTACATGGAACACATACCTTCGATATA-3'